The following is an entry in ClinVar:

ClinVar aggregate classification (germline): Uncertain significance. Review status: criteria provided, multiple submitters, no conflicts (2 of 4 stars). 2 submissions from 2 submitters: Uncertain significance (2). Last evaluated 2022-04-17.

Conditions:
Hypertrophic cardiomyopathy 25 (CMH25). Also called: CARDIOMYOPATHY, FAMILIAL HYPERTROPHIC, 25. Identifiers: MedGen C4225408, MONDO:0011843, OMIM 607487.
Primary familial hypertrophic cardiomyopathy (HCM). Identifiers: Orphanet 99739, MedGen C0949658, MeSH D024741, MONDO:0024573. Inheritance: Various modes of inheritance.

Allele frequency attached by ClinVar (database versions not stated): gnomAD exomes below 0.00001; ExAC 0.00001.
gnomAD v4.1: 4 of 1,609,812 alleles (0.00025%); no homozygotes.

Submissions (2):

Labcorp Genetics (formerly Invitae), Labcorp
Classification: Uncertain significance for Hypertrophic cardiomyopathy 25; Primary familial hypertrophic cardiomyopathy. Last evaluated: 2022-04-17. Review status: criteria provided, single submitter. Criteria: Invitae Variant Classification Sherloc (09022015). Collection method: clinical testing. Allele origin: germline.
Comment: In summary, the available evidence is currently insufficient to determine the role of this variant in disease. Therefore, it has been classified as a Variant of Uncertain Significance. Algorithms developed to predict the effect of missense changes on protein structure and function are either unavailable or do not agree on the potential impact of this missense change (SIFT: "Tolerated"; PolyPhen-2: "Probably Damaging"; Align-GVGD: "Class C0"). ClinVar contains an entry for this variant (Variation ID: 497495). This variant has not been reported in the literature in individuals affected with TCAP-related conditions. This variant is present in population databases (rs758101613, gnomAD 0.005%). This sequence change replaces glutamic acid, which is acidic and polar, with aspartic acid, which is acidic and polar, at codon 80 of the TCAP protein (p.Glu80Asp).

Eurofins Ntd Llc (ga)
Classification: Uncertain significance. Last evaluated: 2016-10-14. Review status: criteria provided, single submitter. Criteria: EGL Classification Definitions 2015. Collection method: clinical testing. Allele origin: germline. Observed: 1 variant allele, 1 heterozygote.

NM_003673.4(TCAP):c.240G>T (p.Glu80Asp)

Gene: TCAP (titin-cap; plus strand). Cytogenetic location: 17q12.
Variant type: single nucleotide variant.
Coding change: c.240G>T on transcript NM_003673.4 (MANE Select); coding-DNA position 240, G replaced by T.
Protein change: p.Glu80Asp; replaces glutamic acid 80 with aspartic acid.
Molecular consequence: missense variant.
Genome position (GRCh38, 1-based): chr17:39,665,845, G>T. VCF-style: chr17-39665845-G-T. GRCh37 (hg19) VCF-style: chr17-37822098-G-T.
Other names: short protein forms E80D.
Identifiers: ClinVar variation 497495 (VCV000497495.10), dbSNP rs758101613, ClinGen allele CA8532883.